The following is an entry in ClinVar:

ClinVar aggregate classification (germline): Uncertain significance (1 of 4 stars; one submission).

gnomAD v4.1: 4 of 1,613,994 alleles (0.00025%); highest among the groups gnomAD compares: Admixed American, 0.0067%; no homozygotes.

Submission:

ARUP Laboratories, Molecular Genetics and Genomics, ARUP Laboratories
Classification: Uncertain significance. Last evaluated: 2024-08-15. Review status: criteria provided, single submitter. Criteria: ARUP Molecular Germline Variant Investigation Process 2024. Collection method: clinical testing. Allele origin: germline.
Comment: The UGT1A7 c.405A>T; p.Glu135Asp variant (rs1368393471), to our knowledge, is not reported in the medical literature or gene specific databases. This variant is also absent from the Genome Aggregation Database (v2.1.1), indicating it is not a common polymorphism. Computational analyses predict that this variant is neutral (REVEL: 0.035). However, given the lack of clinical and functional data, the significance of this variant is uncertain at this time.

NM_019077.3(UGT1A7):c.405A>T (p.Glu135Asp)

Genes: UGT1A9 (UDP glucuronosyltransferase family 1 member A9; plus strand), UGT1A (UDP glucuronosyltransferase family 1 member A complex locus; plus strand), UGT1A10 (UDP glucuronosyltransferase family 1 member A10; plus strand), UGT1A7 (UDP glucuronosyltransferase family 1 member A7; plus strand), UGT1A8 (UDP glucuronosyltransferase family 1 member A8; plus strand). Cytogenetic location: 2q37.1.
Variant type: single nucleotide variant.
Coding change: c.405A>T on transcript NM_019077.3 (MANE Select); coding-DNA position 405, A replaced by T.
Protein change: p.Glu135Asp; replaces glutamic acid 135 with aspartic acid.
Molecular consequence: missense variant. On other transcripts: intron variant (3).
Genome position (GRCh38, 1-based): chr2:233,682,342, A>T. VCF-style: chr2-233682342-A-T. GRCh37 (hg19) VCF-style: chr2-234590988-A-T.
Other names: c.855+63780A>T (NM_019076.5); c.855+44965A>T (NM_019075.4); c.855+9553A>T (NM_021027.3); short protein forms E135D.
Identifiers: ClinVar variation 3766785 (VCV003766785.1).